The following is an entry in ClinVar:

ClinVar aggregate classification (germline): Likely benign (1 of 4 stars; one submission).

Conditions:
JAG1-related disorder. Also called: JAG1-related condition; JAG1-related disorders.

Submission:

PreventionGenetics, part of Exact Sciences
Classification: Likely benign for JAG1-related condition. Last evaluated: 2026-08-06. Review status: criteria provided, single submitter. Criteria: ACMG Guidelines, 2015. Collection method: clinical testing. Allele origin: germline.
Comment: This variant is classified as likely benign based on ACMG/AMP sequence variant interpretation guidelines (Richards et al. 2015 PMID: 25741868, with internal and published modifications).

NM_000214.3(JAG1):c.2709G>C (p.Leu903=)

Gene: JAG1 (jagged canonical Notch ligand 1; minus strand). Cytogenetic location: 20p12.2.
Variant type: single nucleotide variant.
Coding change: c.2709G>C on transcript NM_000214.3 (MANE Select); coding-DNA position 2709, G replaced by C.
Protein change: p.Leu903=; no amino-acid change (leucine 903 retained).
Molecular consequence: synonymous variant.
Genome position (GRCh38, 1-based): chr20:10,641,667, C>G on the plus strand (G>C on the coding strand, the complement: JAG1 is on the minus strand). VCF-style: chr20-10641667-C-G. GRCh37 (hg19) VCF-style: chr20-10622315-C-G.
Identifiers: ClinVar variation 4992364 (VCV004992364.1).